The following is an entry in ClinVar:

NM_002691.4(POLD1):c.1184G>A (p.Gly395Asp)

Gene: POLD1 (DNA polymerase delta 1, catalytic subunit; plus strand). Cytogenetic location: 19q13.33.
Variant type: single nucleotide variant.
Coding change: c.1184G>A on transcript NM_002691.4 (MANE Select); coding-DNA position 1184, G replaced by A.
Protein change: p.Gly395Asp; replaces glycine 395 with aspartic acid.
Molecular consequence: missense variant. On other transcripts: non-coding transcript variant (1).
Genome position (GRCh38, 1-based): chr19:50,403,539, G>A. VCF-style: chr19-50403539-G-A. GRCh37 (hg19) VCF-style: chr19-50906796-G-A.
Other names: c.1184G>A, p.Gly395Asp (NM_001256849.1, NM_001308632.1); short protein forms G395D.
Identifiers: ClinVar variation 818473 (VCV000818473.4), dbSNP rs1601206186, ClinGen allele CA406978521.

ClinVar aggregate classification (germline): Uncertain significance (1 of 4 stars; one submission).

Conditions:
Hereditary cancer-predisposing syndrome. Also called: Tumor predisposition; Hereditary neoplastic syndrome; Neoplastic Syndromes, Hereditary; Hereditary Cancer Syndrome. Identifiers: Orphanet 140162, MedGen C0027672, MeSH D009386, MONDO:0015356.

Submission:

Ambry Genetics
Classification: Uncertain significance for Hereditary cancer-predisposing syndrome. Last evaluated: 2019-09-11. Review status: criteria provided, single submitter. Criteria: Ambry Variant Classification Scheme 2023. Collection method: clinical testing. Allele origin: germline.
Comment: The p.G395D variant (also known as c.1184G>A), located in coding exon 9 of the POLD1 gene, results from a G to A substitution at nucleotide position 1184. The glycine at codon 395 is replaced by aspartic acid, an amino acid with similar properties. This amino acid position is highly conserved in available vertebrate species. In addition, this alteration is predicted to be deleterious by in silico analysis. Since supporting evidence is limited at this time, the clinical significance of this alteration remains unclear.